The following is an entry in ClinVar:

ClinVar aggregate classification (germline): Uncertain significance (1 of 4 stars; one submission).

Submission:

Labcorp Genetics (formerly Invitae), Labcorp
Classification: Uncertain significance. Last evaluated: 2022-03-22. Review status: criteria provided, single submitter. Criteria: Invitae Variant Classification Sherloc (09022015). Collection method: clinical testing. Allele origin: germline.
Comment: This sequence change replaces alanine, which is neutral and non-polar, with glutamic acid, which is acidic and polar, at codon 273 of the ABHD5 protein (p.Ala273Glu). In summary, the available evidence is currently insufficient to determine the role of this variant in disease. Therefore, it has been classified as a Variant of Uncertain Significance. Algorithms developed to predict the effect of missense changes on protein structure and function (SIFT, PolyPhen-2, Align-GVGD) all suggest that this variant is likely to be disruptive. This variant has not been reported in the literature in individuals affected with ABHD5-related conditions. This variant is not present in population databases (gnomAD no frequency).

NM_016006.6(ABHD5):c.818C>A (p.Ala273Glu)

Gene: ABHD5 (abhydrolase domain containing 5, lysophosphatidic acid acyltransferase; plus strand). Cytogenetic location: 3p21.33.
Variant type: single nucleotide variant.
Coding change: c.818C>A on transcript NM_016006.6 (MANE Select); coding-DNA position 818, C replaced by A.
Protein change: p.Ala273Glu; replaces alanine 273 with glutamic acid.
Molecular consequence: missense variant. On other transcripts: non-coding transcript variant (1), intron variant (1).
Genome position (GRCh38, 1-based): chr3:43,717,715, C>A. VCF-style: chr3-43717715-C-A. GRCh37 (hg19) VCF-style: chr3-43759207-C-A.
Other names: c.818C>A, p.Ala273Glu (NM_001355186.2); c.695C>A, p.Ala232Glu (NM_001365649.1); c.774-728C>A (NM_001365650.1); short protein forms A273E, A232E.
Identifiers: ClinVar variation 2077797 (VCV002077797.4), dbSNP rs2528795818, ClinGen allele CA352347495.